The following is an entry in ClinVar:

ClinVar aggregate classification (germline): Conflicting classifications of pathogenicity. Review status: criteria provided, conflicting classifications (1 of 4 stars). 6 submissions from 6 submitters: Uncertain significance (1); Likely benign (5). Last evaluated 2025-12-23.

Conditions:
Cardiovascular phenotype. Identifiers: MedGen CN230736.
Hypertrophic cardiomyopathy 1 (CMH1). Also called: Familial hypertrophic cardiomyopathy 1; MYH7-Related Familial Hypertrophic Cardiomyopathy. Identifiers: MedGen C3495498, MONDO:0008647, OMIM 192600.
Sick sinus syndrome 3, susceptibility to (SSS3). Identifiers: Orphanet 166282, MedGen C3279791, MONDO:0013568, OMIM 614090.
Atrial septal defect 3 (ASD3). Identifiers: Orphanet 1478, MedGen C3279790, MONDO:0013567, OMIM 614089.
Dilated cardiomyopathy 1EE (CMD1EE). Identifiers: Orphanet 154, MedGen C2750466, MONDO:0013198, OMIM 613252.
Hypertrophic cardiomyopathy 14. Identifiers: MedGen C2750467, MONDO:0013197, OMIM 613251.
Long QT syndrome (LQTS). Identifiers: MedGen C0023976, MeSH D008133, MONDO:0002442. Disease mechanism: loss of function. Inheritance: Various modes of inheritance.

Allele frequency attached by ClinVar (database versions not stated): ESP Exome Variant Server 0.00008; ExAC 0.00009; TOPMed 0.00009; gnomAD 0.00011 and 0.00012.
gnomAD v4.1: 233 of 1,613,998 alleles (0.014%); highest among the groups gnomAD compares: Non-Finnish European, 0.014%; no homozygotes.

Submissions (6):

Labcorp Genetics (formerly Invitae), Labcorp
Classification: Likely benign for Hypertrophic cardiomyopathy 14. Last evaluated: 2025-12-23. Review status: criteria provided, single submitter. Criteria: Invitae Variant Classification Sherloc (09022015). Collection method: clinical testing. Allele origin: germline.

Blueprint Genetics
Classification: Likely benign. Last evaluated: 2024-10-15. Review status: criteria provided, single submitter. Criteria: ACMG Guidelines, 2015. Collection method: clinical testing. Allele origin: germline.

Dept of Medical Biology, Uskudar University
Classification: Uncertain significance for Long QT syndrome. Last evaluated: 2024-01-08. Review status: criteria provided, single submitter. Criteria: Dept of Medical Biology Variant Classification. Collection method: research. Allele origin: maternal. Affected: yes. Observed: 1 variant allele.
Comment: Criteria: PP3

Fulgent Genetics
Classification: Likely benign for Hypertrophic cardiomyopathy 1; Hypertrophic cardiomyopathy 14; Dilated cardiomyopathy 1EE; Atrial septal defect 3; Sick sinus syndrome 3, susceptibility to. Last evaluated: 2021-10-09. Review status: criteria provided, single submitter. Criteria: ACMG Guidelines, 2015. Collection method: clinical testing. Allele origin: unknown.

Ambry Genetics
Classification: Likely benign for Cardiovascular phenotype. Last evaluated: 2020-11-02. Review status: criteria provided, single submitter. Criteria: Ambry Variant Classification Scheme 2023. Collection method: clinical testing. Allele origin: germline.

GeneDx
Classification: Likely benign. Last evaluated: 2018-07-02. Review status: criteria provided, single submitter. Criteria: GeneDx Variant Classification Process June 2021. Collection method: clinical testing. Allele origin: germline. Affected: yes.
Comment: This variant is associated with the following publications: (PMID: 27789736)

Literature cited by the submitters: PubMed 25351510 (cited by Ambry Genetics); PubMed 27789736 (cited by Ambry Genetics).

NM_002471.4(MYH6):c.3893C>T (p.Ala1298Val)

Gene: MYH6 (myosin heavy chain 6; minus strand). Cytogenetic location: 14q11.2.
Variant type: single nucleotide variant.
Coding change: c.3893C>T on transcript NM_002471.4 (MANE Select); coding-DNA position 3893, C replaced by T.
Protein change: p.Ala1298Val; replaces alanine 1298 with valine.
Molecular consequence: missense variant.
Genome position (GRCh38, 1-based): chr14:23,389,478, G>A on the plus strand (C>T on the coding strand, the complement: MYH6 is on the minus strand). VCF-style: chr14-23389478-G-A. GRCh37 (hg19) VCF-style: chr14-23858687-G-A.
Other names: short protein forms A1298V.
Identifiers: ClinVar variation 180424 (VCV000180424.21), dbSNP rs368588052, ClinGen allele CA346483.